The following is an entry in ClinVar:

NM_001040151.2(SCN3B):c.220-133C>T

Gene: SCN3B (sodium voltage-gated channel beta subunit 3; minus strand). Cytogenetic location: 11q24.1.
Variant type: single nucleotide variant.
Coding change: c.220-133C>T on transcript NM_001040151.2 (MANE Select); 133 bases into the intron before coding-DNA position 220, C replaced by T.
Molecular consequence: intron variant.
Genome position (GRCh38, 1-based): chr11:123,642,804, G>A on the plus strand (C>T on the coding strand, the complement: SCN3B is on the minus strand). VCF-style: chr11-123642804-G-A. GRCh37 (hg19) VCF-style: chr11-123513512-G-A.
Other names: c.220-133C>T (NM_018400.4).
Identifiers: ClinVar variation 674316 (VCV000674316.2), dbSNP rs72552167, ClinGen allele CA229984287.

ClinVar aggregate classification (germline): Likely benign. Review status: criteria provided, multiple submitters, no conflicts (2 of 4 stars). 2 submissions from 2 submitters: Likely benign (2). Last evaluated 2018-06-16.

Allele frequency attached by ClinVar (database versions not stated): gnomAD exomes 0.01581; 1000 Genomes Project 30x 0.00687; 1000 Genomes Project 0.00699; gnomAD 0.01304 and 0.01335; TOPMed 0.01318.
gnomAD v4.1: 11,215 of 735,154 alleles (1.5%); highest among the groups gnomAD compares: Middle Eastern, 3.5%; 130 homozygotes.

Submissions (2):

GeneDx
Classification: Likely benign. Last evaluated: 2018-06-16. Review status: criteria provided, single submitter. Criteria: GeneDx Variant Classification (06012015). Collection method: clinical testing. Allele origin: germline. Affected: yes.
Comment: This variant is considered likely benign or benign based on one or more of the following criteria: it is a conservative change, it occurs at a poorly conserved position in the protein, it is predicted to be benign by multiple in silico algorithms, and/or has population frequency not consistent with disease.

Breakthrough Genomics
Classification: Likely benign. Review status: criteria provided, single submitter. Criteria: ACMG Guidelines, 2015. Collection method: not provided. Allele origin: germline. Inheritance: Autosomal dominant inheritance. Affected: yes.